The following is an entry in ClinVar:

NM_002103.5(GYS1):c.254C>T (p.Pro85Leu)

Gene: GYS1 (glycogen synthase 1; minus strand). Cytogenetic location: 19q13.33.
Variant type: single nucleotide variant.
Coding change: c.254C>T on transcript NM_002103.5 (MANE Select); coding-DNA position 254, C replaced by T.
Protein change: p.Pro85Leu; replaces proline 85 with leucine.
Molecular consequence: missense variant.
Genome position (GRCh38, 1-based): chr19:48,991,348, G>A on the plus strand (C>T on the coding strand, the complement: GYS1 is on the minus strand). VCF-style: chr19-48991348-G-A. GRCh37 (hg19) VCF-style: chr19-49494605-G-A.
Other names: c.254C>T, p.Pro85Leu (NM_001161587.2); short protein forms P85L.
Identifiers: ClinVar variation 960357 (VCV000960357.6), dbSNP rs140774115, ClinGen allele CA9563411.
Genomic context (GRCh38, chr19:48,991,348, plus strand): 5'-GGGCCACGTCCCACCTTGCAGCCCTTGCTGTTCATGGAATCCAGTGTCCTCTTCAGGGCC[G>A]GGGTGGGGGCCTCCAGCAGTTCCACCTGGGTCCTCACGCCCTGCTCCGTGTACGGCCCCA-3'
Protein context (NP_002094.2, residues 75-95): TQVELLEAPT[Pro85Leu]ALKRTLDSMN

ClinVar aggregate classification (germline): Uncertain significance. Review status: criteria provided, multiple submitters, no conflicts (2 of 4 stars). 2 submissions from 2 submitters: Uncertain significance (2). Last evaluated 2024-12-18.

Conditions:
Glycogen storage disease due to muscle and heart glycogen synthase deficiency. Also called: GSD 0b; MUSCLE GLYCOGEN SYNTHASE DEFICIENCY. Identifiers: Orphanet 137625, MedGen C1969054, MONDO:0012693, OMIM 611556.

Allele frequency attached by ClinVar (database versions not stated): ExAC 0.00007; gnomAD exomes 0.00012; gnomAD 0.00013 and 0.00014; ESP Exome Variant Server 0.00015; TOPMed 0.00018.
gnomAD v4.1: 219 of 1,613,920 alleles (0.014%); highest among the groups gnomAD compares: Admixed American, 0.042%; no homozygotes.

Submissions (2):

GeneDx
Classification: Uncertain significance. Last evaluated: 2024-12-18. Review status: criteria provided, single submitter. Criteria: GeneDx Variant Classification Process June 2021. Collection method: clinical testing. Allele origin: germline. Affected: yes.
Comment: In silico analysis supports that this missense variant has a deleterious effect on protein structure/function; Has not been previously published as pathogenic or benign to our knowledge

Labcorp Genetics (formerly Invitae), Labcorp
Classification: Uncertain significance for Glycogen storage disease due to muscle and heart glycogen synthase deficiency. Last evaluated: 2022-08-16. Review status: criteria provided, single submitter. Criteria: Invitae Variant Classification Sherloc (09022015). Collection method: clinical testing. Allele origin: germline.
Comment: This sequence change replaces proline, which is neutral and non-polar, with leucine, which is neutral and non-polar, at codon 85 of the GYS1 protein (p.Pro85Leu). This variant is present in population databases (rs140774115, gnomAD 0.05%). This variant has not been reported in the literature in individuals affected with GYS1-related conditions. ClinVar contains an entry for this variant (Variation ID: 960357). Algorithms developed to predict the effect of missense changes on protein structure and function output the following: SIFT: "Tolerated"; PolyPhen-2: "Benign"; Align-GVGD: "Class C0". The leucine amino acid residue is found in multiple mammalian species, which suggests that this missense change does not adversely affect protein function. In summary, the available evidence is currently insufficient to determine the role of this variant in disease. Therefore, it has been classified as a Variant of Uncertain Significance.